The following is an entry in ClinVar:

ClinVar aggregate classification (germline): Uncertain significance (0 of 4 stars; one submission).

Allele frequency attached by ClinVar (database versions not stated): ExAC 0.00007; TOPMed 0.00012; gnomAD 0.00013; gnomAD exomes 0.00008.
gnomAD v4.1: 218 of 1,614,004 alleles (0.014%); highest among the groups gnomAD compares: Non-Finnish European, 0.016%; no homozygotes.

Submission:

Martin Pollak Laboratory,  Beth Israel Deaconess Medical Center
Classification: Uncertain significance. Review status: no assertion criteria provided. Collection method: not provided. Allele origin: unknown.
Comment: Lower UCa2+ group
ClinVar note: Converted during submission from unknown to Uncertain significance.

NM_019841.7(TRPV5):c.1035G>A (p.Thr345=)

Gene: TRPV5 (transient receptor potential cation channel subfamily V member 5; minus strand). Cytogenetic location: 7q34.
Variant type: single nucleotide variant.
Coding change: c.1035G>A on transcript NM_019841.7 (MANE Select); coding-DNA position 1035, G replaced by A.
Protein change: p.Thr345=; no amino-acid change (threonine 345 retained).
Molecular consequence: synonymous variant.
Genome position (GRCh38, 1-based): chr7:142,925,616, C>T on the plus strand (G>A on the coding strand, the complement: TRPV5 is on the minus strand). VCF-style: chr7-142925616-C-T. GRCh37 (hg19) VCF-style: chr7-142622711-C-T.
Identifiers: ClinVar variation 64568 (VCV000064568.2), dbSNP rs202171798, ClinGen allele CA216417.